The following is an entry in ClinVar:

NM_000368.5(TSC1):c.3175T>C (p.Phe1059Leu)

Gene: TSC1 (TSC complex subunit 1; minus strand). Cytogenetic location: 9q34.13.
Variant type: single nucleotide variant.
Coding change: c.3175T>C on transcript NM_000368.5 (MANE Select); coding-DNA position 3175, T replaced by C.
Protein change: p.Phe1059Leu; replaces phenylalanine 1059 with leucine.
Molecular consequence: missense variant.
Genome position (GRCh38, 1-based): chr9:132,896,555, A>G on the plus strand (T>C on the coding strand, the complement: TSC1 is on the minus strand). VCF-style: chr9-132896555-A-G. GRCh37 (hg19) VCF-style: chr9-135771942-A-G.
Other names: c.3172T>C, p.Phe1058Leu (NM_001162426.2); c.3022T>C, p.Phe1008Leu (NM_001162427.2); c.2812T>C, p.Phe938Leu (NM_001362177.2); short protein forms F1059L, F938L, F1008L, F1058L.
Identifiers: ClinVar variation 658507 (VCV000658507.10), dbSNP rs1379924767, ClinGen allele CA375367142.

ClinVar aggregate classification (germline): Conflicting classifications of pathogenicity. Review status: criteria provided, conflicting classifications (1 of 4 stars). 3 submissions from 3 submitters: Uncertain significance (2); Likely benign (1). Last evaluated 2025-07-27.

Conditions:
Hereditary cancer-predisposing syndrome. Also called: Neoplastic Syndromes, Hereditary; Hereditary neoplastic syndrome; Hereditary Cancer Syndrome; Tumor predisposition. Identifiers: Orphanet 140162, MedGen C0027672, MeSH D009386, MONDO:0015356.
Tuberous sclerosis 1 (TSC1). Identifiers: Orphanet 805, MedGen C1854465, MONDO:0008612, OMIM 191100.

Allele frequency attached by ClinVar (database versions not stated): gnomAD exomes below 0.00001.
gnomAD v4.1: 1 of 1,614,138 alleles (0.000062%); highest among the groups gnomAD compares: Non-Finnish European, 0.000085%; no homozygotes.

Submissions (3):

Labcorp Genetics (formerly Invitae), Labcorp
Classification: Likely benign for Tuberous sclerosis 1. Last evaluated: 2025-07-27. Review status: criteria provided, single submitter. Criteria: Invitae Variant Classification Sherloc (09022015). Collection method: clinical testing. Allele origin: germline.

GeneDx
Classification: Uncertain significance. Last evaluated: 2025-06-11. Review status: criteria provided, single submitter. Criteria: GeneDx Variant Classification Process June 2021. Collection method: clinical testing. Allele origin: germline. Affected: yes.
Comment: In silico analysis suggests that this missense variant does not alter protein structure/function; Has not been previously published as pathogenic or benign to our knowledge

Ambry Genetics
Classification: Uncertain significance for Hereditary cancer-predisposing syndrome. Last evaluated: 2024-07-19. Review status: criteria provided, single submitter. Criteria: Ambry Variant Classification Scheme 2023. Collection method: clinical testing. Allele origin: germline.
Comment: The p.F1059L variant (also known as c.3175T>C), located in coding exon 21 of the TSC1 gene, results from a T to C substitution at nucleotide position 3175. The phenylalanine at codon 1059 is replaced by leucine, an amino acid with highly similar properties. This amino acid position is not well conserved in available vertebrate species. In addition, this alteration is predicted to be tolerated by in silico analysis. Based on the available evidence, the clinical significance of this variant remains unclear.